The following is an entry in ClinVar:

NM_022765.4(MICAL1):c.2291_2300del (p.Gly764fs)

Gene: MICAL1 (microtubule associated monooxygenase, calponin and LIM domain containing 1; minus strand). Cytogenetic location: 6q21.
Variant type: Deletion.
Coding change: c.2291_2300del on transcript NM_022765.4 (MANE Select); coding-DNA positions 2291 to 2300, 10 bases deleted (GCCCTGAGAG; older notation c.2291_2300delGCCCTGAGAG).
Protein change: p.Gly764fs; shifts the reading frame from glycine 764.
Molecular consequence: frameshift variant.
Genome position (GRCh38, 1-based): chr6:109,446,700-109,446,709, CTCTCAGGGC deleted on the plus strand (GCCCTGAGAG on the coding strand, the reverse complement: MICAL1 is on the minus strand); deleting any 10 consecutive bases within chr6:109,446,700-109,446,713 gives the same sequence; the c. name uses the placement nearest the transcript's 3' end. VCF-style (leftmost placement, unchanged base first): chr6-109446699-ACTCTCAGGGC-A. GRCh37 (hg19) VCF-style: chr6-109767902-ACTCTCAGGGC-A.
Other names: c.2033_2042del, p.Gly678fs (NM_001159291.2); c.2348_2357del, p.Gly783fs (NM_001286613.2); short protein forms G678fs, G764fs, G783fs.
Identifiers: ClinVar variation 624262 (VCV000624262.47), dbSNP rs1447618526, ClinGen allele CA817047557.

ClinVar aggregate classification (germline): Conflicting classifications of pathogenicity. Review status: criteria provided, conflicting classifications (1 of 4 stars). 2 submissions from 2 submitters: Likely pathogenic (1); Uncertain significance (1). Last evaluated 2024-04-20.

Submissions (2):

Labcorp Genetics (formerly Invitae), Labcorp
Classification: Uncertain significance. Last evaluated: 2024-04-20. Review status: criteria provided, single submitter. Criteria: Invitae Variant Classification Sherloc (09022015). Collection method: clinical testing. Allele origin: germline.
Comment: This sequence change creates a premature translational stop signal (p.Gly783Valfs*137) in the MICAL1 gene. It is expected to result in an absent or disrupted protein product. However, the current clinical and genetic evidence is not sufficient to establish whether loss-of-function variants in MICAL1 cause disease. This variant is not present in population databases (gnomAD no frequency). This variant has not been reported in the literature in individuals affected with MICAL1-related conditions. ClinVar contains an entry for this variant (Variation ID: 624262). In summary, the available evidence is currently insufficient to determine the role of this variant in disease. Therefore, it has been classified as a Variant of Uncertain Significance.

CeGaT Center for Human Genetics Tuebingen
Classification: Likely pathogenic. Last evaluated: 2018-04-01. Review status: criteria provided, single submitter. Criteria: CeGaT Center For Human Genetics Tuebingen Variant Classification Criteria Version 2. Collection method: clinical testing. Allele origin: germline. Affected: yes. Observed: 1 variant allele.